The following is an entry in ClinVar:

ClinVar aggregate classification (germline): Benign. Review status: reviewed by expert panel (3 of 4 stars). 4 submissions from 4 submitters: Benign (1). 3 of the submissions do not count toward it. Last evaluated 2025-08-29.

Conditions:
Monogenic diabetes. Identifiers: Orphanet 183625, MedGen C3888631, MONDO:0015967.
Maturity-onset diabetes of the young (MODY). Also called: Maturity onset diabetes mellitus in young. Identifiers: Orphanet 552, MedGen C0342276, MONDO:0018911, HP:0004904.
Maturity-onset diabetes of the young type 3. Also called: MODY, type III; MODY type 3. Identifiers: Orphanet 552, MedGen C1838100, MeSH C563933, MONDO:0010894, OMIM 600496. Disease mechanism: loss of function.

Allele frequency attached by ClinVar (database versions not stated): gnomAD exomes 0.00002 and 0.00011; ExAC 0.00003; TOPMed 0.00004; gnomAD 0.00006 and 0.00007.
gnomAD v4.1: 164 of 1,612,982 alleles (0.01%); highest among the groups gnomAD compares: African/African-American, 0.016%; no homozygotes.

Submissions (4):

ClinGen Monogenic Diabetes Variant Curation Expert Panel
Classification: Benign for Monogenic diabetes. Last evaluated: 2025-08-29. Review status: reviewed by expert panel. Criteria: ClinGen Diabetes ACMG Specifications HNF1A V3.0.0. Collection method: curation. Allele origin: germline. Inheritance: Autosomal dominant inheritance.
Comment: The c.42G>A variant in the HNF1 homeobox A gene, HNF1A, is a synonymous (silent) variant at codon 14 (p.Ala14=) of NM_000545.8. This variant has a Grpmax filtering allele frequency of 0.00010377 in gnomAD v4.1.0, which is above the ClinGen MDEP cutoff for BA1 (0.0001) (BA1). This synonymous variant is not predicted to impact splicing (SpliceAI score of 0, which is less than the MDEP cutoff of 0.2) and is not highly conserved (phyloP100way score of -1.735, which is below the MDEP cutoff of 2.0) (BP4, BP7). In summary, c.42G>A meets the criteria to be classified as benign for monogenic diabetes. ACMG/AMP criteria applied, as specified by the ClinGen MDEP VCEP (specification version 3.0.0, approved 6/30/2025): BA1, BP4, BP7.

Labcorp Genetics (formerly Invitae), Labcorp
Classification: Likely benign. Last evaluated: 2025-08-13. Review status: criteria provided, single submitter. Criteria: Invitae Variant Classification Sherloc (09022015). Collection method: clinical testing. Allele origin: germline. Not counted in ClinVar's aggregate classification.

Illumina Laboratory Services, Illumina
Classification: Uncertain significance for Maturity-onset diabetes of the young type 3. Last evaluated: 2018-01-13. Review status: criteria provided, single submitter. Criteria: ICSL Variant Classification Criteria 13 December 2019. Collection method: clinical testing. Allele origin: germline. Not counted in ClinVar's aggregate classification.

Clinical Genomics, Uppaluri K&H Personalized Medicine Clinic
Classification: Benign for Maturity-onset diabetes of the young. Review status: criteria provided, single submitter. Criteria: K & H Uppaluri Personalized Medicine Clinic Variant Classification & Assertion Criteria_Updated V.1. Collection method: research. Allele origin: unknown. Inheritance: Autosomal dominant inheritance. Not counted in ClinVar's aggregate classification.
Comment: Mutations in HNF1A gene can predispose to MODY3. It is associated with both micro and macrovascular complications of diabetes, especially cardiovascular complications. Associated with glucosuria. May respond well to sulfonylureas. However, more evidence is required to confer the association of this particular variant rs775391034 with MODY3.

Literature cited by the submitters: PubMed 31517624 (cited by Clinical Genomics, Uppaluri K&H Personalized Medicine Clinic); PubMed 32395877 (cited by Clinical Genomics, Uppaluri K&H Personalized Medicine Clinic); PubMed 35328643 (cited by Clinical Genomics, Uppaluri K&H Personalized Medicine Clinic); PubMed 35673428 (cited by Clinical Genomics, Uppaluri K&H Personalized Medicine Clinic).

NM_000545.8(HNF1A):c.42G>A (p.Ala14=)

Gene: HNF1A (HNF1 homeobox A; plus strand). Cytogenetic location: 12q24.31.
Variant type: single nucleotide variant.
Coding change: c.42G>A on transcript NM_000545.8 (MANE Select); coding-DNA position 42, G replaced by A.
Protein change: p.Ala14=; no amino-acid change (alanine 14 retained).
Molecular consequence: synonymous variant.
Genome position (GRCh38, 1-based): chr12:120,978,810, G>A. VCF-style: chr12-120978810-G-A. GRCh37 (hg19) VCF-style: chr12-121416613-G-A.
Other names: NM_000545.8(HNF1A):c.42G>A; p.Ala14=; c.42G>A, p.Ala14= (NM_001306179.2).
Identifiers: ClinVar variation 307456 (VCV000307456.16), dbSNP rs775391034, ClinGen allele CA6831657.